The following is an entry in ClinVar:

NM_024642.5(GALNT12):c.1177G>C (p.Glu393Gln)

Gene: GALNT12 (polypeptide N-acetylgalactosaminyltransferase 12; plus strand). Cytogenetic location: 9q22.33.
Variant type: single nucleotide variant.
Coding change: c.1177G>C on transcript NM_024642.5 (MANE Select); coding-DNA position 1177, G replaced by C.
Protein change: p.Glu393Gln; replaces glutamic acid 393 with glutamine.
Molecular consequence: missense variant.
Genome position (GRCh38, 1-based): chr9:98,837,113, G>C. VCF-style: chr9-98837113-G-C. GRCh37 (hg19) VCF-style: chr9-101599395-G-C.
Other names: short protein forms E393Q.
Identifiers: ClinVar variation 1059444 (VCV001059444.9), dbSNP rs754642218, ClinGen allele CA5154179.
Genomic context (GRCh38, chr9:98,837,113, plus strand): 5'-CGCAACAAGGCTCTGGCCAACAGTGTTCGTGCAGCTGAAGTATGGATGGATGAATTTAAA[G>C]AGCTCTACTACCATCGCAACCCCCGTGCCCGCTTGGTGAGTTCCTCGGCCCACCTGCACT-3'
Protein context (NP_078918.3, residues 383-403): AAEVWMDEFK[Glu393Gln]LYYHRNPRAR

ClinVar aggregate classification (germline): Uncertain significance (1 of 4 stars; one submission).

Allele frequency attached by ClinVar (database versions not stated): gnomAD exomes below 0.00001; ExAC 0.00001.
gnomAD v4.1: 1 of 1,614,144 alleles (0.000062%); highest among the groups gnomAD compares: Non-Finnish European, 0.000085%; no homozygotes.

Submission:

Labcorp Genetics (formerly Invitae), Labcorp
Classification: Uncertain significance. Last evaluated: 2021-03-27. Review status: criteria provided, single submitter. Criteria: Invitae Variant Classification Sherloc (09022015). Collection method: clinical testing. Allele origin: germline.
Comment: In summary, the available evidence is currently insufficient to determine the role of this variant in disease. Therefore, it has been classified as a Variant of Uncertain Significance. Algorithms developed to predict the effect of missense changes on protein structure and function (SIFT, PolyPhen-2, Align-GVGD) all suggest that this variant is likely to be tolerated, but these predictions have not been confirmed by published functional studies and their clinical significance is uncertain. This variant has not been reported in the literature in individuals with GALNT12-related conditions. This variant is present in population databases (rs754642218, ExAC 0.001%). This sequence change replaces glutamic acid with glutamine at codon 393 of the GALNT12 protein (p.Glu393Gln). The glutamic acid residue is highly conserved and there is a small physicochemical difference between glutamic acid and glutamine.